The following is an entry in ClinVar:

NM_004425.4(ECM1):c.1100A>T (p.Asp367Val)

Gene: ECM1 (extracellular matrix protein 1; plus strand). Cytogenetic location: 1q21.2.
Variant type: single nucleotide variant.
Coding change: c.1100A>T on transcript NM_004425.4 (MANE Select); coding-DNA position 1100, A replaced by T.
Protein change: p.Asp367Val; replaces aspartic acid 367 with valine.
Molecular consequence: missense variant.
Genome position (GRCh38, 1-based): chr1:150,512,368, A>T. VCF-style: chr1-150512368-A-T. GRCh37 (hg19) VCF-style: chr1-150484844-A-T.
Other names: c.1181A>T, p.Asp394Val (NM_001202858.2); c.725A>T, p.Asp242Val (NM_022664.3); short protein forms D367V, D394V, D242V.
Identifiers: ClinVar variation 376771 (VCV000376771.31), dbSNP rs151102225, ClinGen allele CA1077643.

ClinVar aggregate classification (germline): Benign/Likely benign. Review status: criteria provided, multiple submitters, no conflicts (2 of 4 stars). 5 submissions from 5 submitters: Benign (2); Likely benign (3). Last evaluated 2026-07-01.

Conditions:
Lipid proteinosis. Also called: Urbach Wiethe disease; Lipoid Proteinosis of Urbach and Wiethe; lipoid proteinosis; HYALINOSIS CUTIS ET MUCOSAE. Identifiers: Orphanet 530, MedGen C0023795, MONDO:0009530, OMIM 247100.

Allele frequency attached by ClinVar (database versions not stated): 1000 Genomes Project 0.00339; 1000 Genomes Project 30x 0.00422; TOPMed 0.00651; gnomAD exomes 0.00729 and 0.01019; gnomAD 0.00732 and 0.00738; ExAC 0.00774; ESP Exome Variant Server 0.00807.

Submissions (5):

CeGaT Center for Human Genetics Tuebingen
Classification: Benign. Last evaluated: 2026-07-01. Review status: criteria provided, single submitter. Criteria: CeGaT Center For Human Genetics Tuebingen Variant Classification Criteria Version 2. Collection method: clinical testing. Allele origin: germline. Affected: yes. Observed: 2 variant alleles.
Comment: ECM1: BS1, BS2

Genome-Nilou Lab
Classification: Likely benign for Lipid proteinosis. Last evaluated: 2023-04-11. Review status: criteria provided, single submitter. Criteria: ACMG Guidelines, 2015. Collection method: clinical testing. Allele origin: germline. Affected: no.

Labcorp Genetics (formerly Invitae), Labcorp
Classification: Benign. Last evaluated: 2019-12-31. Review status: criteria provided, single submitter. Criteria: Invitae Variant Classification Sherloc (09022015). Collection method: clinical testing. Allele origin: germline.

Center for Pediatric Genomic Medicine, Children's Mercy Hospital and Clinics
Classification: Likely benign. Last evaluated: 2016-12-30. Review status: criteria provided, single submitter. Criteria: ACMG Guidelines, 2015. Collection method: clinical testing. Allele origin: germline.
ClinVar note: Converted during submission from Likely Benign to Likely benign.

Breakthrough Genomics
Classification: Likely benign. Review status: criteria provided, single submitter. Criteria: ACMG Guidelines, 2015. Collection method: not provided. Allele origin: germline. Inheritance: Autosomal recessive inheritance. Affected: yes.